The following is an entry in ClinVar:

NM_020166.5(MCCC1):c.2015A>G (p.Asp672Gly)

Gene: MCCC1 (methylcrotonyl-CoA carboxylase subunit 1; minus strand). Cytogenetic location: 3q27.1.
Variant type: single nucleotide variant.
Coding change: c.2015A>G on transcript NM_020166.5 (MANE Select); coding-DNA position 2015, A replaced by G.
Protein change: p.Asp672Gly; replaces aspartic acid 672 with glycine.
Molecular consequence: missense variant. On other transcripts: non-coding transcript variant (2).
Genome position (GRCh38, 1-based): chr3:183,017,300, T>C on the plus strand (A>G on the coding strand, the complement: MCCC1 is on the minus strand). VCF-style: chr3-183017300-T-C. GRCh37 (hg19) VCF-style: chr3-182735088-T-C.
Other names: c.2015A>G (NM_020166.3); c.1664A>G, p.Asp555Gly (NM_001293273.2); c.1688A>G, p.Asp563Gly (NM_001363880.1); short protein forms D563G, D672G, D555G.
Identifiers: ClinVar variation 1518056 (VCV001518056.6), dbSNP rs992786696, ClinGen allele CA88686914.

ClinVar aggregate classification (germline): Uncertain significance. Review status: criteria provided, multiple submitters, no conflicts (2 of 4 stars). 2 submissions from 2 submitters: Uncertain significance (2). Last evaluated 2023-08-02.

Conditions:
Inborn genetic diseases. Identifiers: MedGen C0950123, MeSH D030342.
3-methylcrotonyl-CoA carboxylase 1 deficiency (MCC1D). Also called: MCC 1 deficiency; 3 Alpha methylcrotonylglycinuria 1; MCCD TYPE 1; METHYLCROTONYLGLYCINURIA TYPE I. Identifiers: Orphanet 6, MedGen CN028786, MONDO:0008861, OMIM 210200.

Allele frequency attached by ClinVar (database versions not stated): gnomAD exomes below 0.00001; gnomAD 0.00003; TOPMed 0.00004.
gnomAD v4.1: 7 of 1,613,832 alleles (0.00043%); highest among the groups gnomAD compares: African/African-American, 0.0093%; no homozygotes.

Submissions (2):

Ambry Genetics
Classification: Uncertain significance for Inborn genetic diseases. Last evaluated: 2023-08-02. Review status: criteria provided, single submitter. Criteria: Ambry Variant Classification Scheme 2023. Collection method: clinical testing. Allele origin: germline.

Labcorp Genetics (formerly Invitae), Labcorp
Classification: Uncertain significance for 3-methylcrotonyl-CoA carboxylase 1 deficiency. Last evaluated: 2021-09-17. Review status: criteria provided, single submitter. Criteria: Invitae Variant Classification Sherloc (09022015). Collection method: clinical testing. Allele origin: germline.
Comment: This sequence change replaces aspartic acid with glycine at codon 672 of the MCCC1 protein (p.Asp672Gly). The aspartic acid residue is moderately conserved and there is a moderate physicochemical difference between aspartic acid and glycine. This variant is not present in population databases (ExAC no frequency). This variant has not been reported in the literature in individuals with MCCC1-related conditions. Algorithms developed to predict the effect of missense changes on protein structure and function are either unavailable or do not agree on the potential impact of this missense change (SIFT: "Deleterious"; PolyPhen-2: "Probably Damaging"; Align-GVGD: "Class C0"). In summary, the available evidence is currently insufficient to determine the role of this variant in disease. Therefore, it has been classified as a Variant of Uncertain Significance.